The following is an entry in ClinVar:

NM_001267550.2(TTN):c.77848C>T (p.Leu25950Phe)

Genes: TTN (titin; minus strand), TTN-AS1 (TTN antisense RNA 1; plus strand). Cytogenetic location: 2q31.2.
Variant type: single nucleotide variant.
Coding change: c.77848C>T on transcript NM_001267550.2 (MANE Select); coding-DNA position 77848, C replaced by T.
Protein change: p.Leu25950Phe; replaces leucine 25950 with phenylalanine.
Molecular consequence: missense variant.
Genome position (GRCh38, 1-based): chr2:178,568,284, G>A on the plus strand (C>T on the coding strand, the complement: TTN is on the minus strand). VCF-style: chr2-178568284-G-A. GRCh37 (hg19) VCF-style: chr2-179433011-G-A.
Other names: p.L24309F:CTC>TTC; c.72925C>T, p.Leu24309Phe (NM_001256850.1); c.70144C>T, p.Leu23382Phe (NM_133378.4); c.50653C>T, p.Leu16885Phe (NM_003319.4); c.51028C>T, p.Leu17010Phe (NM_133432.3); c.51229C>T, p.Leu17077Phe (NM_133437.4); short protein forms L25950F, L23382F, L24309F, L17010F, L16885F, L17077F.
Identifiers: ClinVar variation 47363 (VCV000047363.31), dbSNP rs376814602, ClinGen allele CA140801.

ClinVar aggregate classification (germline): Conflicting classifications of pathogenicity. Review status: criteria provided, conflicting classifications (1 of 4 stars). 13 submissions from 13 submitters: Uncertain significance (5); Likely benign (8). Last evaluated 2026-03-27.

Conditions:
TTN-related disorder. Also called: TTN-related condition; TTN-related disease; TTN-related disorders.
Cardiovascular phenotype. Identifiers: MedGen CN230736.
Autosomal recessive limb-girdle muscular dystrophy type 2J (LGMDR10). Also called: Limb-girdle muscular dystrophy, type 2J; MUSCULAR DYSTROPHY, LIMB-GIRDLE, AUTOSOMAL RECESSIVE 10. Identifiers: Orphanet 140922, MedGen C1837342, MONDO:0012127, OMIM 608807.
Dilated cardiomyopathy 1G (CMD1G). Identifiers: Orphanet 154, MedGen C1858763, MONDO:0011400, OMIM 604145.
Myopathy, myofibrillar, 9, with early respiratory failure (MFM9). Also called: Hereditary myopathy with early respiratory failure; EDSTROM MYOPATHY; MYOPATHY, PROXIMAL, WITH EARLY RESPIRATORY MUSCLE INVOLVEMENT; Myopathy, distal, with early respiratory failure, autosomal dominant. Identifiers: Orphanet 178464, Orphanet 34521, MedGen C1863599, MONDO:0011362, OMIM 603689.
Early-onset myopathy with fatal cardiomyopathy (CMYO5). Also called: Salih Myopathy; CONGENITAL MYOPATHY 5 WITH CARDIOMYOPATHY. Identifiers: Orphanet 289377, MedGen C2673677, MONDO:0012714, OMIM 611705. Disease mechanism: loss of function.
Hypertrophic cardiomyopathy 9. Also called: Familial hypertrophic cardiomyopathy 9. Identifiers: MedGen C1861065, MONDO:0013412, OMIM 613765.
Tibial muscular dystrophy (TMD). Also called: Tibial muscular dystrophy, tardive; UDD MYOPATHY; Udd Distal Myopathy – Tibial Muscular Dystrophy. Identifiers: Orphanet 609, MedGen C1838244, MONDO:0010870, OMIM 600334.
Cardiomyopathy (CMYO). Also called: Cardiomyopathies. Identifiers: Orphanet 167848, MedGen C0878544, MONDO:0004994, HP:0001638. Inheritance: Various modes of inheritance.

Allele frequency attached by ClinVar (database versions not stated): TOPMed 0.00012; gnomAD 0.00017 and 0.00019; 1000 Genomes Project 30x 0.00047; 1000 Genomes Project 0.00060.
gnomAD v4.1: 104 of 1,613,492 alleles (0.0064%); highest among the groups gnomAD compares: East Asian, 0.14%; 3 homozygotes.

Submissions (13):

Molecular Diagnostic Laboratory for Inherited Cardiovascular Disease, Montreal Heart Institute
Classification: Likely benign. Last evaluated: 2026-03-27. Review status: criteria provided, single submitter. Criteria: ACMG Guidelines, 2015. Collection method: clinical testing. Allele origin: germline. Affected: no.
Comment: BS1;BP1

Labcorp Genetics (formerly Invitae), Labcorp
Classification: Likely benign for Dilated cardiomyopathy 1G; Autosomal recessive limb-girdle muscular dystrophy type 2J. Last evaluated: 2026-01-26. Review status: criteria provided, single submitter. Criteria: Invitae Variant Classification Sherloc (09022015). Collection method: clinical testing. Allele origin: germline.

PreventionGenetics, part of Exact Sciences
Classification: Likely benign for TTN-related condition. Last evaluated: 2025-06-12. Review status: criteria provided, single submitter. Criteria: ACMG Guidelines, 2015. Collection method: clinical testing. Allele origin: germline.
Comment: This variant is classified as likely benign based on ACMG/AMP sequence variant interpretation guidelines (Richards et al. 2015 PMID: 25741868, with internal and published modifications).

ARUP Laboratories, Molecular Genetics and Genomics, ARUP Laboratories
Classification: Likely benign. Last evaluated: 2025-04-03. Review status: criteria provided, single submitter. Criteria: ARUP Molecular Germline Variant Investigation Process 2024. Collection method: clinical testing. Allele origin: germline.

Women's Health and Genetics/Laboratory Corporation of America, LabCorp
Classification: Likely benign. Last evaluated: 2025-02-14. Review status: criteria provided, single submitter. Criteria: LabCorp Variant Classification Summary - May 2015. Collection method: clinical testing. Allele origin: germline.
Comment: Variant summary: TTN c.70144C>T (p.Leu23382Phe) results in a non-conservative amino acid change located in the A band region of the encoded protein sequence. Three of five in-silico tools predict a damaging effect of the variant on protein function. The variant allele was found at a frequency of 0.00018 in 248656 control chromosomes, predominantly at a frequency of 0.0023 within the East Asian subpopulation in the gnomAD database. The observed variant frequency within East Asian control individuals in the gnomAD database is approximately 5.89 fold of the estimated maximal expected allele frequency for a pathogenic variant in TTN causing Dilated Cardiomyopathy phenotype (0.00039). c.70144C>T has been reported in the literature in individuals affected with TTN-related disorders (e.g., Pugh_2014, Zhong_2019, Yeh_2019, Xie_2024). These reports do not provide unequivocal conclusions about association of the variant with Dilated Cardiomyopathy. To our knowledge, no experimental evidence demonstrating an impact on protein function has been reported. The following publications have been ascertained in the context of this evaluation (PMID: 24503780, 30816495, 31879508, 39198981). ClinVar contains an entry for this variant (Variation ID: 47363). Based on the evidence outlined above, the variant was classified as likely benign.

Blueprint Genetics
Classification: Likely benign. Last evaluated: 2024-11-21. Review status: criteria provided, single submitter. Criteria: ACMG Guidelines, 2015. Collection method: clinical testing. Allele origin: germline.

Revvity Omics, Revvity
Classification: Uncertain significance. Last evaluated: 2024-06-19. Review status: criteria provided, single submitter. Criteria: ACMG Guidelines, 2015. Collection method: clinical testing. Allele origin: germline.

Department of Pathology and Laboratory Medicine, Sinai Health System
Classification: Uncertain significance for Tibial muscular dystrophy; Myopathy, myofibrillar, 9, with early respiratory failure; Dilated cardiomyopathy 1G; Autosomal recessive limb-girdle muscular dystrophy type 2J; Early-onset myopathy with fatal cardiomyopathy; Hypertrophic cardiomyopathy 9. Last evaluated: 2022-08-22. Review status: criteria provided, single submitter. Criteria: ACMG Guidelines, 2015. Collection method: research. Allele origin: germline.

GeneDx
Classification: Likely benign. Last evaluated: 2020-09-18. Review status: criteria provided, single submitter. Criteria: GeneDx Variant Classification Process June 2021. Collection method: clinical testing. Allele origin: germline. Affected: yes.
Comment: This variant is associated with the following publications: (PMID: 30816495, 24503780, 23861362)

Ambry Genetics
Classification: Likely benign for Cardiovascular phenotype. Last evaluated: 2020-08-26. Review status: criteria provided, single submitter. Criteria: Ambry Variant Classification Scheme 2023. Collection method: clinical testing. Allele origin: germline.

CHEO Genetics Diagnostic Laboratory, Children's Hospital of Eastern Ontario
Classification: Uncertain significance for Cardiomyopathy. Last evaluated: 2016-05-03. Review status: criteria provided, single submitter. Criteria: ACMG Guidelines, 2015. Collection method: clinical testing. Allele origin: germline. Study: Canadian Open Genetics Repository.

Laboratory for Molecular Medicine, Mass General Brigham Personalized Medicine
Classification: Uncertain significance. Last evaluated: 2015-01-09. Review status: criteria provided, single submitter. Criteria: LMM Criteria. Collection method: clinical testing. Allele origin: germline. Observed: 2 variant alleles.
Comment: Variant classified as Uncertain Significance - Favor Benign. This va riant has also been identified in 0.2% (19/8616) of East Asian chromosomes by th e Exome Aggregation Consortium (ExAC; dbSNP rs37 6814602). Computational prediction tools and conservation analysis do not provid e strong support for or against an impact to the protein. In summary, while the clinical significance of the p.Leu23382Phe variant is uncertain, its frequency i n the general population suggests that it is more likely to be benign.

Biesecker Lab/Clinical Genomics Section, National Institutes of Health
Classification: Uncertain significance. Last evaluated: 2013-06-24. Review status: criteria provided, single submitter. Criteria: Ng et al. (Circ Cardiovasc Genet. 2013). Collection method: research. Allele origin: unknown. Observed: 1 variant allele. Study: ClinSeq.
Comment: The study set was not selected for affection status in relation to any cancer. Pathogenicity categories were based on literature curation. See Pubmed ID:23861362 for details.

Medical sequencing

Literature cited by the submitters: PubMed 24503780 (cited by Women's Health and Genetics/Laboratory Corporation of America, LabCorp); PubMed 30816495 (cited by Women's Health and Genetics/Laboratory Corporation of America, LabCorp); PubMed 31879508 (cited by Women's Health and Genetics/Laboratory Corporation of America, LabCorp); PubMed 39198981 (cited by Women's Health and Genetics/Laboratory Corporation of America, LabCorp).